The following is an entry in ClinVar:

NM_001370785.2(LRRC7):c.1058_1064del (p.Pro353fs)

Gene: LRRC7 (leucine rich repeat containing 7; plus strand). Cytogenetic location: 1p31.1.
Variant type: Deletion.
Coding change: c.1058_1064del on transcript NM_001370785.2 (MANE Select); coding-DNA positions 1058 to 1064, 7 bases deleted (CTTCTAC; older notation c.1058_1064delCTTCTAC).
Protein change: p.Pro353fs; shifts the reading frame from proline 353.
Molecular consequence: frameshift variant.
Genome position (GRCh38, 1-based): chr1:70,011,850-70,011,856, CTTCTAC deleted; deleting any 7 consecutive bases within chr1:70,011,846-70,011,856 gives the same sequence; the c. name uses the placement nearest the transcript's 3' end. VCF-style (leftmost placement, unchanged base first): chr1-70011845-ACTACCTT-A. GRCh37 (hg19) VCF-style: chr1-70477528-ACTACCTT-A.
Other names: NM_020794.2:c.944_950delCTTCTAC; c.959_965del, p.Pro320fs (NM_001330635.3, NM_001366839.3, NM_001366841.1); c.1061_1067del, p.Pro354fs (NM_001350216.3); c.1058_1064del, p.Pro353fs (NM_001366838.3); short protein forms P320fs, P354fs, P353fs.
Identifiers: ClinVar variation 5023689 (VCV005023689.1).

ClinVar aggregate classification (germline): Pathogenic (1 of 4 stars; one submission).

Submission:

Ambry Genetics
Classification: Pathogenic. Last evaluated: 2026-08-10. Review status: criteria provided, single submitter. Criteria: Ambry Variant Classification Scheme 2023. Collection method: clinical testing. Allele origin: germline.
Comment: The c.944_950delCTTCTAC (p.P315Lfs*11) alteration, located in exon 10 (coding exon 10) of the LRRC7 gene, consists of a deletion of 7 nucleotides from position 944 to 950, causing a translational frameshift with a predicted alternate stop codon after 11 amino acids. This variant is expected to result in loss of function by premature protein truncation or nonsense-mediated mRNA decay. This variant was not reported in population-based cohorts in the Genome Aggregation Database (gnomAD). Based on the available evidence, this alteration is classified as pathogenic.